The following is an entry in ClinVar:

NM_001009999.3(KDM1A):c.313C>T (p.Pro105Ser)

Gene: KDM1A (lysine demethylase 1A; plus strand). Cytogenetic location: 1p36.12.
Variant type: single nucleotide variant.
Coding change: c.313C>T on transcript NM_001009999.3 (MANE Select); coding-DNA position 313, C replaced by T.
Protein change: p.Pro105Ser; replaces proline 105 with serine.
Molecular consequence: missense variant.
Genome position (GRCh38, 1-based): chr1:23,019,909, C>T. VCF-style: chr1-23019909-C-T. GRCh37 (hg19) VCF-style: chr1-23346402-C-T.
Other names: c.313C>T, p.Pro105Ser (NM_001363654.2, NM_001410762.1, NM_001410763.1 and 1 more transcripts); short protein forms P105S.
Identifiers: ClinVar variation 4042053 (VCV004042053.2).

ClinVar aggregate classification (germline): Uncertain significance. Review status: criteria provided, multiple submitters, no conflicts (2 of 4 stars). 2 submissions from 2 submitters: Uncertain significance (2). Last evaluated 2025-07-03.

Conditions:
Inborn genetic diseases. Identifiers: MedGen C0950123, MeSH D030342.

gnomAD v4.1: 8 of 1,573,268 alleles (0.00051%); highest among the groups gnomAD compares: Non-Finnish European, 0.00069%; no homozygotes.

Submissions (2):

Labcorp Genetics (formerly Invitae), Labcorp
Classification: Uncertain significance. Last evaluated: 2025-07-03. Review status: criteria provided, single submitter. Criteria: Invitae Variant Classification Sherloc (09022015). Collection method: clinical testing. Allele origin: germline.
Comment: This sequence change replaces proline, which is neutral and non-polar, with serine, which is neutral and polar, at codon 105 of the KDM1A protein (p.Pro105Ser). The frequency data for this variant in the population databases is considered unreliable, as metrics indicate poor data quality at this position in the gnomAD database. This variant has not been reported in the literature in individuals affected with KDM1A-related conditions. Invitae Evidence Modeling of protein sequence and biophysical properties (such as structural, functional, and spatial information, amino acid conservation, physicochemical variation, residue mobility, and thermodynamic stability) indicates that this missense variant is not expected to disrupt KDM1A protein function with a negative predictive value of 80%. In summary, the available evidence is currently insufficient to determine the role of this variant in disease. Therefore, it has been classified as a Variant of Uncertain Significance.

Ambry Genetics
Classification: Uncertain significance for Inborn genetic diseases. Last evaluated: 2025-03-19. Review status: criteria provided, single submitter. Criteria: Ambry Variant Classification Scheme 2023. Collection method: clinical testing. Allele origin: germline.
Comment: The p.P105S variant (also known as c.313C>T), located in coding exon 1 of the KDM1A gene, results from a C to T substitution at nucleotide position 313. The proline at codon 105 is replaced by serine, an amino acid with similar properties. This amino acid position is conserved. In addition, this alteration is predicted to be tolerated by in silico analysis. Based on the available evidence, the clinical significance of this variant remains unclear.